The following is an entry in ClinVar:

NM_001042492.3(NF1):c.3908C>G (p.Pro1303Arg)

Gene: NF1 (neurofibromin 1; plus strand). Cytogenetic location: 17q11.2.
Variant type: single nucleotide variant.
Coding change: c.3908C>G on transcript NM_001042492.3 (MANE Select); coding-DNA position 3908, C replaced by G.
Protein change: p.Pro1303Arg; replaces proline 1303 with arginine.
Molecular consequence: missense variant.
Genome position (GRCh38, 1-based): chr17:31,235,955, C>G. VCF-style: chr17-31235955-C-G. GRCh37 (hg19) VCF-style: chr17-29562973-C-G.
Other names: c.3908C>G, p.Pro1303Arg (NM_000267.4); short protein forms P1303R.
Identifiers: ClinVar variation 824369 (VCV000824369.4), dbSNP rs1597722962, ClinGen allele CA398993119.

ClinVar aggregate classification (germline): Uncertain significance (1 of 4 stars; one submission).

Conditions:
Hereditary cancer-predisposing syndrome. Also called: Neoplastic Syndromes, Hereditary; Tumor predisposition; Hereditary neoplastic syndrome; Hereditary Cancer Syndrome. Identifiers: Orphanet 140162, MedGen C0027672, MeSH D009386, MONDO:0015356.
Cardiovascular phenotype. Identifiers: MedGen CN230736.

Submission:

Ambry Genetics
Classification: Uncertain significance for Cardiovascular phenotype; Hereditary cancer-predisposing syndrome. Last evaluated: 2018-06-06. Review status: criteria provided, single submitter. Criteria: Ambry Variant Classification Scheme 2023. Collection method: clinical testing. Allele origin: germline.
Comment: The p.P1303R variant (also known as c.3908C>G), located in coding exon 29 of the NF1 gene, results from a C to G substitution at nucleotide position 3908. The proline at codon 1303 is replaced by arginine, an amino acid with dissimilar properties. This amino acid position is highly conserved in available vertebrate species. In addition, this alteration is predicted to be deleterious by in silico analysis. Since supporting evidence is limited at this time, the clinical significance of this alteration remains unclear.